The following is an entry in ClinVar:

ClinVar aggregate classification (germline): Likely pathogenic (1 of 4 stars; one submission).

Conditions:
Immunodeficiency 104. Also called: Severe Combined Immune Deficiency, Autosomal Recessive, TCell -Negative, B Cell-Positive, NK Cell-Positive, IL7R-Related; IMMUNODEFICIENCY 104, SEVERE COMBINED; Severe combined immunodeficiency, autosomal recessive, T cell-negative, B cell-positive, NK cell-positive; SCID, AUTOSOMAL RECESSIVE, T CELL-NEGATIVE, B CELL-POSITIVE, NK CELL-POSITIVE. Identifiers: MedGen C5676890, MONDO:0012163, OMIM 608971.

Submission:

Labcorp Genetics (formerly Invitae), Labcorp
Classification: Likely pathogenic for Immunodeficiency 104. Last evaluated: 2023-06-28. Review status: criteria provided, single submitter. Criteria: Invitae Variant Classification Sherloc (09022015). Collection method: clinical testing. Allele origin: germline.
Comment: Algorithms developed to predict the effect of sequence changes on RNA splicing suggest that this variant may disrupt the consensus splice site. In summary, the currently available evidence indicates that the variant is pathogenic, but additional data are needed to prove that conclusively. Therefore, this variant has been classified as Likely Pathogenic. This variant has not been reported in the literature in individuals affected with PTPRC-related conditions. This variant is not present in population databases (gnomAD no frequency). This sequence change affects a donor splice site in intron 24 of the PTPRC gene. It is expected to disrupt RNA splicing. Variants that disrupt the donor or acceptor splice site typically lead to a loss of protein function (PMID: 16199547), and loss-of-function variants in PTPRC are known to be pathogenic (PMID: 10700239).

Literature cited by the submitters: PubMed 16199547; PubMed 10700239.

NM_002838.5(PTPRC):c.2561+2T>C

Gene: PTPRC (protein tyrosine phosphatase receptor type C; plus strand). Cytogenetic location: 1q32.1.
Variant type: single nucleotide variant.
Coding change: c.2561+2T>C on transcript NM_002838.5 (MANE Select); the canonical splice donor site of the intron after coding-DNA position 2561, T replaced by C.
Molecular consequence: splice donor variant.
Genome position (GRCh38, 1-based): chr1:198,742,028, T>C. VCF-style: chr1-198742028-T-C. GRCh37 (hg19) VCF-style: chr1-198711157-T-C.
Other names: c.2078+2T>C (NM_080921.4).
Identifiers: ClinVar variation 2732266 (VCV002732266.3), dbSNP rs2527991012, ClinGen allele CA344050999.
Genomic context (GRCh38, chr1:198,742,028, plus strand): 5'-AGAAGGAGAGTGAATGCCTTCAGCAATTTCTTCAGTGGTCCCATTGTGGTGCACTGCAGG[T>C]AGGAAAAACGAACAAAAAAAAAAAACAACAACAAAAAAACTCCAACAGAATCCACCTGCC-3'